The following is an entry in ClinVar:

ClinVar aggregate classification (germline): Uncertain significance (1 of 4 stars; one submission).

Conditions:
Retinitis pigmentosa 59 (RP59). Identifiers: Orphanet 791, MedGen C3151227, MONDO:0013468, OMIM 613861.

Submission:

Labcorp Genetics (formerly Invitae), Labcorp
Classification: Uncertain significance for Retinitis pigmentosa 59. Last evaluated: 2022-06-17. Review status: criteria provided, single submitter. Criteria: Invitae Variant Classification Sherloc (09022015). Collection method: clinical testing. Allele origin: germline.
Comment: This sequence change replaces valine, which is neutral and non-polar, with leucine, which is neutral and non-polar, at codon 166 of the DHDDS protein (p.Val166Leu). This variant is not present in population databases (gnomAD no frequency). This variant has not been reported in the literature in individuals affected with DHDDS-related conditions. Algorithms developed to predict the effect of missense changes on protein structure and function (SIFT, PolyPhen-2, Align-GVGD) all suggest that this variant is likely to be tolerated. In summary, the available evidence is currently insufficient to determine the role of this variant in disease. Therefore, it has been classified as a Variant of Uncertain Significance.

NM_205861.3(DHDDS):c.496G>C (p.Val166Leu)

Gene: DHDDS (dehydrodolichyl diphosphate synthase subunit; plus strand). Cytogenetic location: 1p36.11.
Variant type: single nucleotide variant.
Coding change: c.496G>C on transcript NM_205861.3 (MANE Select); coding-DNA position 496, G replaced by C.
Protein change: p.Val166Leu; replaces valine 166 with leucine.
Molecular consequence: missense variant. On other transcripts: intron variant (1).
Genome position (GRCh38, 1-based): chr1:26,447,614, G>C. VCF-style: chr1-26447614-G-C. GRCh37 (hg19) VCF-style: chr1-26774105-G-C.
Other names: c.379G>C, p.Val127Leu (NM_001243565.2); c.217G>C, p.Val73Leu (NM_001319959.2); c.496G>C, p.Val166Leu (NM_024887.4); c.440+1182G>C (NM_001243564.2); short protein forms V166L, V73L, V127L.
Identifiers: ClinVar variation 2168059 (VCV002168059.1), dbSNP rs2075281748, ClinGen allele CA339143313.